The following is an entry in ClinVar:

ClinVar aggregate classification (germline): Uncertain significance (1 of 4 stars; one submission).

Submission:

Labcorp Genetics (formerly Invitae), Labcorp
Classification: Uncertain significance. Last evaluated: 2021-09-29. Review status: criteria provided, single submitter. Criteria: Invitae Variant Classification Sherloc (09022015). Collection method: clinical testing. Allele origin: germline.
Comment: This sequence change replaces aspartic acid with glycine at codon 1418 of the MADD protein (p.Asp1418Gly). The aspartic acid residue is highly conserved and there is a moderate physicochemical difference between aspartic acid and glycine. This variant is not present in population databases (ExAC no frequency). This variant has not been reported in the literature in individuals affected with MADD-related conditions. Algorithms developed to predict the effect of missense changes on protein structure and function (SIFT, PolyPhen-2, Align-GVGD) all suggest that this variant is likely to be disruptive. Algorithms developed to predict the effect of sequence changes on RNA splicing suggest that this variant may create or strengthen a splice site. In summary, the available evidence is currently insufficient to determine the role of this variant in disease. Therefore, it has been classified as a Variant of Uncertain Significance.

NM_001376571.1(MADD):c.4253A>G (p.Asp1418Gly)

Gene: MADD (MAP kinase activating death domain; plus strand). Cytogenetic location: 11p11.2.
Variant type: single nucleotide variant.
Coding change: c.4253A>G on transcript NM_001376571.1 (MANE Select); coding-DNA position 4253, A replaced by G.
Protein change: p.Asp1418Gly; replaces aspartic acid 1418 with glycine.
Molecular consequence: missense variant. On other transcripts: non-coding transcript variant (8), intron variant (3).
Genome position (GRCh38, 1-based): chr11:47,311,826, A>G. VCF-style: chr11-47311826-A-G. GRCh37 (hg19) VCF-style: chr11-47333377-A-G.
Other names: c.3944A>G, p.Asp1315Gly (NM_001135943.2); c.3935A>G, p.Asp1312Gly (NM_001135944.2, NM_001376618.1, NM_001376619.1 and 2 more transcripts); c.4241A>G, p.Asp1414Gly (NM_001376572.1, NM_001376573.1, NM_001376599.1 and 2 more transcripts); c.4199A>G, p.Asp1400Gly (NM_001376574.1, NM_001376605.1); c.4193A>G, p.Asp1398Gly (NM_001376575.1); c.4181A>G, p.Asp1394Gly (NM_001376576.1, NM_001376577.1, NM_001376610.1); c.4154A>G, p.Asp1385Gly (NM_001376578.1); c.4127A>G, p.Asp1376Gly (NM_001376579.1, NM_001376580.1, NM_001376622.1 and 1 more transcripts); and 44 more; short protein forms D1137G, D1256G, D1289G, D1303G, D1315G, D1337G, D1356G, D1359G.
Identifiers: ClinVar variation 1383782 (VCV001383782.2), dbSNP rs1005763412, ClinGen allele CA221720980.